The following is an entry in ClinVar:

ClinVar aggregate classification (germline): Conflicting classifications of pathogenicity. Review status: criteria provided, conflicting classifications (1 of 4 stars). 3 submissions from 3 submitters: Uncertain significance (2); Likely benign (1). Last evaluated 2025-03-20.

Conditions:
Pheochromocytoma/paraganglioma syndrome 5. Also called: Paragangliomas 5; SDHA-Related Hereditary Paraganglioma-Pheochromocytoma Syndrome. Identifiers: Orphanet 29072, MedGen C3279992, MONDO:0013602, OMIM 614165.
Mitochondrial complex II deficiency, nuclear type 1. Also called: SUCCINATE CoQ REDUCTASE DEFICIENCY. Identifiers: Orphanet 3208, MedGen C5700310, MONDO:0100294, OMIM 252011.
Hereditary cancer-predisposing syndrome. Also called: Tumor predisposition; Neoplastic Syndromes, Hereditary; Hereditary Cancer Syndrome; Hereditary neoplastic syndrome. Identifiers: Orphanet 140162, MedGen C0027672, MeSH D009386, MONDO:0015356.

Allele frequency attached by ClinVar (database versions not stated): gnomAD exomes below 0.00001.
gnomAD v4.1: 6 of 1,611,178 alleles (0.00037%); highest among the groups gnomAD compares: East Asian, 0.0067%; no homozygotes.

Submissions (3):

Labcorp Genetics (formerly Invitae), Labcorp
Classification: Uncertain significance for Pheochromocytoma/paraganglioma syndrome 5; Mitochondrial complex II deficiency, nuclear type 1. Last evaluated: 2025-03-20. Review status: criteria provided, single submitter. Criteria: Invitae Variant Classification Sherloc (09022015). Collection method: clinical testing. Allele origin: germline.
Comment: This sequence change replaces isoleucine, which is neutral and non-polar, with valine, which is neutral and non-polar, at codon 506 of the SDHA protein (p.Ile506Val). This variant is not present in population databases (gnomAD no frequency). This variant has not been reported in the literature in individuals affected with SDHA-related conditions. ClinVar contains an entry for this variant (Variation ID: 663683). Invitae Evidence Modeling of protein sequence and biophysical properties (such as structural, functional, and spatial information, amino acid conservation, physicochemical variation, residue mobility, and thermodynamic stability) indicates that this missense variant is not expected to disrupt SDHA protein function with a negative predictive value of 95%. In summary, the available evidence is currently insufficient to determine the role of this variant in disease. Therefore, it has been classified as a Variant of Uncertain Significance.

GeneDx
Classification: Uncertain significance. Last evaluated: 2024-08-07. Review status: criteria provided, single submitter. Criteria: GeneDx Variant Classification Process June 2021. Collection method: clinical testing. Allele origin: germline. Affected: yes.
Comment: Not observed at significant frequency in large population cohorts (gnomAD); In silico analysis indicates that this missense variant does not alter protein structure/function; Has not been previously published as pathogenic or benign to our knowledge

Ambry Genetics
Classification: Likely benign for Hereditary cancer-predisposing syndrome. Last evaluated: 2023-10-26. Review status: criteria provided, single submitter. Criteria: Ambry Variant Classification Scheme 2023. Collection method: clinical testing. Allele origin: germline.

NM_004168.4(SDHA):c.1516A>G (p.Ile506Val)

Gene: SDHA (succinate dehydrogenase complex flavoprotein subunit A; plus strand). Cytogenetic location: 5p15.33.
Variant type: single nucleotide variant.
Coding change: c.1516A>G on transcript NM_004168.4 (MANE Select); coding-DNA position 1516, A replaced by G.
Protein change: p.Ile506Val; replaces isoleucine 506 with valine.
Molecular consequence: missense variant.
Genome position (GRCh38, 1-based): chr5:240,441, A>G. VCF-style: chr5-240441-A-G. GRCh37 (hg19) VCF-style: chr5-240556-A-G.
Other names: c.1372A>G, p.Ile458Val (NM_001294332.2); c.1516A>G, p.Ile506Val (NM_001330758.2); c.1516A>G (NM_004168.2); short protein forms I458V, I506V.
Identifiers: ClinVar variation 663683 (VCV000663683.13), dbSNP rs1561001683, ClinGen allele CA359014340.
Genomic context (GRCh38, chr5:240,441, plus strand): 5'-CCAAACGCTGGGGAAGAATCTGTCATGAATCTTGACAAATTGAGATTTGCTGATGGAAGC[A>G]TAAGAACATCGGAACTGCGACTCAGCATGCAGAAGGTAAGAGCCTGGACTCGCTCTGGAG-3'
Protein context (NP_004159.2, residues 496-516): LDKLRFADGS[Ile506Val]RTSELRLSMQ